The following is an entry in ClinVar:

ClinVar aggregate classification (germline): Pathogenic (1 of 4 stars; one submission).

Submission:

Labcorp Genetics (formerly Invitae), Labcorp
Classification: Pathogenic. Last evaluated: 2022-02-03. Review status: criteria provided, single submitter. Criteria: Invitae Variant Classification Sherloc (09022015). Collection method: clinical testing. Allele origin: germline.
Comment: This variant is not present in population databases (gnomAD no frequency). For these reasons, this variant has been classified as Pathogenic. This variant has not been reported in the literature in individuals affected with NEXMIF-related conditions. This sequence change creates a premature translational stop signal (p.Thr846Asnfs*23) in the NEXMIF gene. It is expected to result in an absent or disrupted protein product. Loss-of-function variants in NEXMIF are known to be pathogenic (PMID: 23615299).

Literature cited by the submitters: PubMed 23615299.

NM_001008537.3(NEXMIF):c.2536dup (p.Thr846fs)

Gene: NEXMIF (neurite extension and migration factor; minus strand). Cytogenetic location: Xq13.3.
Variant type: Duplication.
Coding change: c.2536dup on transcript NM_001008537.3 (MANE Select); coding-DNA position 2536, one base duplicated (A; older notation c.2536dupA).
Protein change: p.Thr846fs; shifts the reading frame from threonine 846.
Molecular consequence: frameshift variant.
Genome position (GRCh38, 1-based): chrX:74,742,021, T duplicated on the plus strand (A on the coding strand, the reverse complement: NEXMIF is on the minus strand). VCF-style (leftmost placement, unchanged base first): chrX-74742020-G-GT. GRCh37 (hg19) VCF-style: chrX-73961855-G-GT.
Other names: short protein forms T846fs.
Identifiers: ClinVar variation 1432109 (VCV001432109.6), dbSNP rs2147440148, ClinGen allele CA2573159511.
Genomic context (GRCh38, chrX:74,742,020, plus strand): 5'-GATGAGGTGAGCACACAGTCCTGGGTAGGCTGGAGGGGTACAAATGATTTTTCGGTTTGA[G>GT]TGAGGCTGCCTTCATTTTGCTCTGGAGAATGGTGGCTGAAGTATGAGATACTAGTGTTAT-3'